The following is an entry in ClinVar:

ClinVar aggregate classification (germline): Benign/Likely benign. Review status: criteria provided, multiple submitters, no conflicts (2 of 4 stars). 2 submissions from 2 submitters: Benign (1); Likely benign (1). Last evaluated 2026-02-01.

Conditions:
MYO18B-related disorder. Also called: MYO18B-related condition.

Allele frequency attached by ClinVar (database versions not stated): gnomAD 0.00005; TOPMed 0.00029; gnomAD exomes 0.00060; ExAC 0.00093.
gnomAD v4.1: 163 of 1,596,518 alleles (0.01%); highest among the groups gnomAD compares: Admixed American, 0.28%; 1 homozygote.

Submissions (2):

Labcorp Genetics (formerly Invitae), Labcorp
Classification: Benign. Last evaluated: 2026-02-01. Review status: criteria provided, single submitter. Criteria: Invitae Variant Classification Sherloc (09022015). Collection method: clinical testing. Allele origin: germline.

PreventionGenetics, part of Exact Sciences
Classification: Likely benign for MYO18B-related condition. Last evaluated: 2024-11-26. Review status: criteria provided, single submitter. Criteria: ACMG Guidelines, 2015. Collection method: clinical testing. Allele origin: germline.
Comment: This variant is classified as likely benign based on ACMG/AMP sequence variant interpretation guidelines (Richards et al. 2015 PMID: 25741868, with internal and published modifications).

NM_032608.7(MYO18B):c.5176G>A (p.Glu1726Lys)

Gene: MYO18B (myosin XVIIIB; plus strand). Cytogenetic location: 22q12.1.
Variant type: single nucleotide variant.
Coding change: c.5176G>A on transcript NM_032608.7 (MANE Select); coding-DNA position 5176, G replaced by A.
Protein change: p.Glu1726Lys; replaces glutamic acid 1726 with lysine.
Molecular consequence: missense variant.
Genome position (GRCh38, 1-based): chr22:25,908,349, G>A. VCF-style: chr22-25908349-G-A. GRCh37 (hg19) VCF-style: chr22-26304316-G-A.
Other names: c.5179G>A, p.Glu1727Lys (NM_001318245.2); short protein forms E1727K, E1726K.
Identifiers: ClinVar variation 745697 (VCV000745697.9), dbSNP rs746447515, ClinGen allele CA10161091.
Genomic context (GRCh38, chr22:25,908,349, plus strand): 5'-CACCCTCACGTGCTGTCCTTGCTGCCCCCGCAGCTCCGCCAGCGGTTTGAGCTGGAGATC[G>A]AGCGGATGAAGCAGATGCACCAGAAGGACCGTGAGGACCAGGAGGAGGAACTGGAGGATG-3'
Protein context (NP_115997.5, residues 1716-1736): QLRQRFELEI[Glu1726Lys]RMKQMHQKDR